The following is an entry in ClinVar:

NM_003070.5(SMARCA2):c.4344T>G (p.Asp1448Glu)

Gene: SMARCA2 (SWI/SNF related BAF chromatin remodeling complex subunit ATPase 2; plus strand). Cytogenetic location: 9p24.3.
Variant type: single nucleotide variant.
Coding change: c.4344T>G on transcript NM_003070.5 (MANE Select); coding-DNA position 4344, T replaced by G.
Protein change: p.Asp1448Glu; replaces aspartic acid 1448 with glutamic acid.
Molecular consequence: missense variant.
Genome position (GRCh38, 1-based): chr9:2,181,661, T>G. VCF-style: chr9-2181661-T-G. GRCh37 (hg19) VCF-style: chr9-2181661-T-G.
Other names: c.4344T>G, p.Asp1448Glu (NM_001289396.2); c.4116T>G, p.Asp1372Glu (NM_001289397.2); c.318T>G, p.Asp106Glu (NM_001289398.2); c.402T>G, p.Asp134Glu (NM_001289399.2); c.408T>G, p.Asp136Glu (NM_001289400.2); c.4290T>G, p.Asp1430Glu (NM_139045.4); short protein forms D106E, D134E, D136E, D1372E, D1430E, D1448E.
Identifiers: ClinVar variation 2503993 (VCV002503993.3), dbSNP rs2537585064, ClinGen allele CA372789853.

ClinVar aggregate classification (germline): Uncertain significance. Review status: criteria provided, multiple submitters, no conflicts (2 of 4 stars). 2 submissions from 2 submitters: Uncertain significance (2). Last evaluated 2025-02-05.

Conditions:
SMARCA2-related disorder. Also called: SMARCA2-related condition.

Submissions (2):

PreventionGenetics, part of Exact Sciences
Classification: Uncertain significance for SMARCA2-related condition. Last evaluated: 2025-02-05. Review status: criteria provided, single submitter. Criteria: ACMG Guidelines, 2015. Collection method: clinical testing. Allele origin: germline.
Comment: The SMARCA2 c.4344T>G variant is predicted to result in the amino acid substitution p.Asp1448Glu. To our knowledge, this variant has not been reported in the literature or in a large population database, indicating this variant is rare. Of note, this variant is within the bromodomain of SMARCA2. Variants in bromodomain are rarely reported with SMARCA2-associated disorders (Cappuccio et al. 2020. PubMed ID: 32694869). Methylation studies of this variant were inconsistent with other variants of NCBRS patients (third patient, Chater-Diehl et al. 2019. PubMed ID: 31288860). Although we suspect that this variant may be pathogenic, at this time, the clinical significance of this variant is uncertain due to the absence of conclusive functional and genetic evidence.

Women's Health and Genetics/Laboratory Corporation of America, LabCorp
Classification: Uncertain significance. Last evaluated: 2023-04-07. Review status: criteria provided, single submitter. Criteria: LabCorp Variant Classification Summary - May 2015. Collection method: clinical testing. Allele origin: germline.
Comment: Variant summary: SMARCA2 c.4344T>G (p.Asp1448Glu) results in a conservative amino acid change located in the bromodomain (IPR001487) of the encoded protein sequence. Three of five in-silico tools predict a benign effect of the variant on protein function. The variant was absent in 250084 control chromosomes (gnomAD). The available data on variant occurrences in the general population are insufficient to allow any conclusion about variant significance. To our knowledge, no occurrence of c.4344T>G in individuals affected with Nicolaides-Baraitser Syndrome and no experimental evidence demonstrating its impact on protein function have been reported. No clinical diagnostic laboratories have submitted clinical-significance assessments for this variant to ClinVar after 2014. Based on the evidence outlined above, the variant was classified as uncertain significance.